The following is an entry in ClinVar:

NM_001348768.2(HECW2):c.883G>A (p.Gly295Ser)

Gene: HECW2 (HECT, C2 and WW domain containing E3 ubiquitin protein ligase 2; minus strand). Cytogenetic location: 2q32.3.
Variant type: single nucleotide variant.
Coding change: c.883G>A on transcript NM_001348768.2 (MANE Select); coding-DNA position 883, G replaced by A.
Protein change: p.Gly295Ser; replaces glycine 295 with serine.
Molecular consequence: missense variant. On other transcripts: 5 prime UTR variant (1).
Genome position (GRCh38, 1-based): chr2:196,322,479, C>T on the plus strand (G>A on the coding strand, the complement: HECW2 is on the minus strand). VCF-style: chr2-196322479-C-T. GRCh37 (hg19) VCF-style: chr2-197187203-C-T.
Other names: c.-85G>A (NM_001304840.3); c.883G>A, p.Gly295Ser (NM_020760.4); short protein forms G295S.
Identifiers: ClinVar variation 3351725 (VCV003351725.1).

ClinVar aggregate classification (germline): Uncertain significance (0 of 4 stars; one submission).

Conditions:
HECW2-related disorder. Also called: HECW2-related condition.

Submission:

PreventionGenetics, part of Exact Sciences
Classification: Uncertain significance for HECW2-related condition. Last evaluated: 2024-08-27. Review status: no assertion criteria provided. Collection method: clinical testing. Allele origin: germline.
Comment: The HECW2 c.883G>A variant is predicted to result in the amino acid substitution p.Gly295Ser. To our knowledge, this variant has not been reported in the literature. This variant is reported in 0.0062% of alleles in individuals of African descent in gnomAD. At this time, the clinical significance of this variant is uncertain due to the absence of conclusive functional and genetic evidence.